The following is an entry in ClinVar:

ClinVar aggregate classification (germline): Uncertain significance (1 of 4 stars; one submission).

Submission:

Labcorp Genetics (formerly Invitae), Labcorp
Classification: Uncertain significance. Last evaluated: 2021-02-19. Review status: criteria provided, single submitter. Criteria: Invitae Variant Classification Sherloc (09022015). Collection method: clinical testing. Allele origin: germline.
Comment: This variant has not been reported in the literature in individuals with TUBGCP6-related conditions. In summary, the available evidence is currently insufficient to determine the role of this variant in disease. Therefore, it has been classified as a Variant of Uncertain Significance. Algorithms developed to predict the effect of missense changes on protein structure and function (SIFT, PolyPhen-2, Align-GVGD) all suggest that this variant is likely to be tolerated, but these predictions have not been confirmed by published functional studies and their clinical significance is uncertain. This variant is not present in population databases (ExAC no frequency). This sequence change replaces proline with threonine at codon 1293 of the TUBGCP6 protein (p.Pro1293Thr). The proline residue is weakly conserved and there is a small physicochemical difference between proline and threonine.

NM_020461.4(TUBGCP6):c.3877C>A (p.Pro1293Thr)

Gene: TUBGCP6 (tubulin gamma complex component 6; minus strand). Cytogenetic location: 22q13.33.
Variant type: single nucleotide variant.
Coding change: c.3877C>A on transcript NM_020461.4 (MANE Select); coding-DNA position 3877, C replaced by A.
Protein change: p.Pro1293Thr; replaces proline 1293 with threonine.
Molecular consequence: missense variant.
Genome position (GRCh38, 1-based): chr22:50,220,482, G>T on the plus strand (C>A on the coding strand, the complement: TUBGCP6 is on the minus strand). VCF-style: chr22-50220482-G-T. GRCh37 (hg19) VCF-style: chr22-50658911-G-T.
Other names: short protein forms P1293T.
Identifiers: ClinVar variation 1509052 (VCV001509052.8), dbSNP rs2147177235, ClinGen allele CA412178026.